The following is an entry in ClinVar:

ClinVar aggregate classification (germline): Uncertain significance. Review status: criteria provided, multiple submitters, no conflicts (2 of 4 stars). 2 submissions from 2 submitters: Uncertain significance (2). Last evaluated 2024-05-04.

Conditions:
Congenital glucose-galactose malabsorption (GGM). Also called: MONOSACCHARIDE MALABSORPTION; DIARRHEA 16. Identifiers: Orphanet 35710, MedGen C0268186, MONDO:0011731, OMIM 606824.

Allele frequency attached by ClinVar (database versions not stated): gnomAD exomes below 0.00001; ExAC 0.00001.
gnomAD v4.1: 1 of 1,611,586 alleles (0.000062%); highest among the groups gnomAD compares: African/African-American, 0.0013%; no homozygotes.

Submissions (2):

Fulgent Genetics
Classification: Uncertain significance for Congenital glucose-galactose malabsorption. Last evaluated: 2024-05-04. Review status: criteria provided, single submitter. Criteria: ACMG Guidelines, 2015. Collection method: clinical testing. Allele origin: germline.

Labcorp Genetics (formerly Invitae), Labcorp
Classification: Uncertain significance for Congenital glucose-galactose malabsorption. Last evaluated: 2022-03-18. Review status: criteria provided, single submitter. Criteria: Invitae Variant Classification Sherloc (09022015). Collection method: clinical testing. Allele origin: germline.
Comment: This sequence change affects codon 483 of the SLC5A1 mRNA. It is a 'silent' change, meaning that it does not change the encoded amino acid sequence of the SLC5A1 protein. It affects a nucleotide within the consensus splice site. This variant is present in population databases (rs752536347, gnomAD 0.0009%). This variant has not been reported in the literature in individuals affected with SLC5A1-related conditions. Algorithms developed to predict the effect of sequence changes on RNA splicing suggest that this variant may disrupt the consensus splice site. In summary, the available evidence is currently insufficient to determine the role of this variant in disease. Therefore, it has been classified as a Variant of Uncertain Significance.

NM_000343.4(SLC5A1):c.1449A>G (p.Pro483=)

Gene: SLC5A1 (solute carrier family 5 member 1; plus strand). Cytogenetic location: 22q12.3.
Variant type: single nucleotide variant.
Coding change: c.1449A>G on transcript NM_000343.4 (MANE Select); coding-DNA position 1449, A replaced by G.
Protein change: p.Pro483=; no amino-acid change (proline 483 retained).
Molecular consequence: synonymous variant.
Genome position (GRCh38, 1-based): chr22:32,099,351, A>G. VCF-style: chr22-32099351-A-G. GRCh37 (hg19) VCF-style: chr22-32495338-A-G.
Other names: c.1068A>G, p.Pro356= (NM_001256314.2).
Identifiers: ClinVar variation 2160114 (VCV002160114.5), dbSNP rs752536347, ClinGen allele CA10198233.
Genomic context (GRCh38, chr22:32,099,351, plus strand): 5'-GGGACCACCCATTGCGGCTGTCTTCCTGCTTGCTATTTTCTGGAAGAGAGTCAATGAGCC[A>G]GTAGGTATCATCTGGGCATGTCCAGAAAAGTCATTCTGGCATAGAAGTTTCCATGTGGGT-3'
Protein context (NP_000334.1, residues 473-493): LAIFWKRVNE[Pro483=]GAFWGLILGL